The following is an entry in ClinVar:

ClinVar aggregate classification (germline): Pathogenic (1 of 4 stars; one submission).

Submission:

CeGaT Center for Human Genetics Tuebingen
Classification: Pathogenic. Last evaluated: 2026-06-01. Review status: criteria provided, single submitter. Criteria: CeGaT Center For Human Genetics Tuebingen Variant Classification Criteria Version 2. Collection method: clinical testing. Allele origin: germline. Affected: yes. Observed: 4 variant alleles.
Comment: POMGNT1: PVS1, PM2, PM3:Supporting

NM_017739.4(POMGNT1):c.1785+1G>C

Genes: POMGNT1 (protein O-linked mannose N-acetylglucosaminyltransferase 1 (beta 1,2-); minus strand), TSPAN1 (tetraspanin 1; plus strand). Cytogenetic location: 1p34.1.
Variant type: single nucleotide variant.
Coding change: c.1785+1G>C on transcript NM_017739.4 (MANE Select); the canonical splice donor site of the intron after coding-DNA position 1785, G replaced by C.
Molecular consequence: splice donor variant.
Genome position (GRCh38, 1-based): chr1:46,189,853, C>G on the plus strand (G>C on the coding strand, the complement: POMGNT1 is on the minus strand). VCF-style: chr1-46189853-C-G. GRCh37 (hg19) VCF-style: chr1-46655525-C-G.
Other names: c.1785+1G>C (NM_001243766.2, NM_001438686.1, NM_001438688.1 and 3 more transcripts); c.1719+1G>C (NM_001290129.3, NM_001438691.1, NM_001438692.1); c.1356+1G>C (NM_001290130.2).
Identifiers: ClinVar variation 2570725 (VCV002570725.27), dbSNP rs2148166435, ClinGen allele CA340171169.
Genomic context (GRCh38, chr1:46,189,853, plus strand): 5'-CTTGGGGCAGTATGTGTGTGAGGGGGAGGGGTTCTCCAGGGTGGGCATGGTATTGGAGCA[C>G]CTTGGCAAGCTGGGTCCAGGTGGTGAAGTCATCATCTTTCTCCATTCGAATAAAGGCCAC-3'